The following is an entry in ClinVar:

ClinVar aggregate classification (germline): Uncertain significance (1 of 4 stars; one submission).

Submission:

Labcorp Genetics (formerly Invitae), Labcorp
Classification: Uncertain significance. Last evaluated: 2021-07-18. Review status: criteria provided, single submitter. Criteria: Invitae Variant Classification Sherloc (09022015). Collection method: clinical testing. Allele origin: germline.
Comment: In summary, the available evidence is currently insufficient to determine the role of this variant in disease. Therefore, it has been classified as a Variant of Uncertain Significance. Algorithms developed to predict the effect of missense changes on protein structure and function are either unavailable or do not agree on the potential impact of this missense change (SIFT: "Not Available"; PolyPhen-2: "Probably Damaging"; Align-GVGD: "Not Available"). This variant has not been reported in the literature in individuals affected with ADD3-related conditions. This variant is not present in population databases (ExAC no frequency). This sequence change replaces proline with alanine at codon 407 of the ADD3 protein (p.Pro407Ala). The proline residue is highly conserved and there is a small physicochemical difference between proline and alanine.

NM_016824.5(ADD3):c.1219C>G (p.Pro407Ala)

Gene: ADD3 (adducin 3; plus strand). Cytogenetic location: 10q25.2.
Variant type: single nucleotide variant.
Coding change: c.1219C>G on transcript NM_016824.5 (MANE Select); coding-DNA position 1219, C replaced by G.
Protein change: p.Pro407Ala; replaces proline 407 with alanine.
Molecular consequence: missense variant.
Genome position (GRCh38, 1-based): chr10:110,124,092, C>G. VCF-style: chr10-110124092-C-G. GRCh37 (hg19) VCF-style: chr10-111883850-C-G.
Other names: c.1219C>G, p.Pro407Ala (NM_001121.4, NM_001320591.2, NM_001320592.2 and 2 more transcripts); c.985C>G, p.Pro329Ala (NM_001320594.2); short protein forms P407A, P329A.
Identifiers: ClinVar variation 1368490 (VCV001368490.8), dbSNP rs919789407, ClinGen allele CA378372012.